The following is an entry in ClinVar:

ClinVar aggregate classification (germline): Uncertain significance (1 of 4 stars; one submission).

Conditions:
Hereditary cancer-predisposing syndrome. Also called: Neoplastic Syndromes, Hereditary; Tumor predisposition; Hereditary Cancer Syndrome; Hereditary neoplastic syndrome. Identifiers: Orphanet 140162, MedGen C0027672, MeSH D009386, MONDO:0015356.

Submission:

Ambry Genetics
Classification: Uncertain significance for Hereditary cancer-predisposing syndrome. Last evaluated: 2026-06-02. Review status: criteria provided, single submitter. Criteria: Ambry Variant Classification Scheme 2023. Collection method: clinical testing. Allele origin: germline.
Comment: The p.H209D variant (also known as c.625C>G), located in coding exon 1 of the MET gene, results from a C to G substitution at nucleotide position 625. The histidine at codon 209 is replaced by aspartic acid, an amino acid with similar properties. This amino acid position is not well conserved in available vertebrate species. In addition, this alteration is predicted to be tolerated by in silico analysis. This variant has been reclassified from a variant of unknown significance to likely benign based on updated recommendations for interpretation of in silico models (Pejaver V et al. Am J Hum Genet. 2022 Dec 1;109(12):2163-2177). Based on the majority of available evidence to date, this variant is unlikely to be pathogenic.

NM_000245.4(MET):c.625C>G (p.His209Asp)

Gene: MET (MET proto-oncogene, receptor tyrosine kinase; plus strand). Cytogenetic location: 7q31.2.
Variant type: single nucleotide variant.
Coding change: c.625C>G on transcript NM_000245.4 (MANE Select); coding-DNA position 625, C replaced by G.
Protein change: p.His209Asp; replaces histidine 209 with aspartic acid.
Molecular consequence: missense variant. On other transcripts: intron variant (1).
Genome position (GRCh38, 1-based): chr7:116,699,709, C>G. VCF-style: chr7-116699709-C-G. GRCh37 (hg19) VCF-style: chr7-116339763-C-G.
Other names: c.625C>G, p.His209Asp (NM_001127500.3, NM_001324401.3); c.-91+27132C>G (NM_001324402.2); short protein forms H209D.
Identifiers: ClinVar variation 1752486 (VCV001752486.3), dbSNP rs866183824, ClinGen allele CA368969489.